The following is an entry in ClinVar:

NM_015076.5(CDK19):c.699T>G (p.Ile233Met)

Gene: CDK19 (cyclin dependent kinase 19; minus strand). Cytogenetic location: 6q21.
Variant type: single nucleotide variant.
Coding change: c.699T>G on transcript NM_015076.5 (MANE Select); coding-DNA position 699, T replaced by G.
Protein change: p.Ile233Met; replaces isoleucine 233 with methionine.
Molecular consequence: missense variant.
Genome position (GRCh38, 1-based): chr6:110,627,093, A>C on the plus strand (T>G on the coding strand, the complement: CDK19 is on the minus strand). VCF-style: chr6-110627093-A-C. GRCh37 (hg19) VCF-style: chr6-110948296-A-C.
Other names: c.567T>G, p.Ile189Met (NM_001300960.2); c.519T>G, p.Ile173Met (NM_001300963.2, NM_001300964.2); short protein forms I173M, I189M, I233M.
Identifiers: ClinVar variation 3902061 (VCV003902061.1).

ClinVar aggregate classification (germline): Uncertain significance (1 of 4 stars; one submission).

Conditions:
Developmental and epileptic encephalopathy, 87. Also called: EPILEPTIC ENCEPHALOPATHY, EARLY INFANTILE, 87. Identifiers: MedGen C5394501, MONDO:0030059, OMIM 618916.

Submission:

Laboratorio de Genetica e Diagnostico Molecular, Hospital Israelita Albert Einstein
Classification: Uncertain significance for Developmental and epileptic encephalopathy, 87. Last evaluated: 2023-08-24. Review status: criteria provided, single submitter. Criteria: ACMG Guidelines, 2015. Collection method: clinical testing. Allele origin: germline. Affected: yes.
Comment: ACMG classification criteria: PM2 moderate, PP2 supporting